The following is an entry in ClinVar:

ClinVar aggregate classification (germline): Uncertain significance (1 of 4 stars; one submission).

Conditions:
Hereditary cancer-predisposing syndrome. Also called: Tumor predisposition; Neoplastic Syndromes, Hereditary; Hereditary neoplastic syndrome; Hereditary Cancer Syndrome. Identifiers: Orphanet 140162, MedGen C0027672, MeSH D009386, MONDO:0015356.

Submission:

Ambry Genetics
Classification: Uncertain significance for Hereditary cancer-predisposing syndrome. Last evaluated: 2024-10-12. Review status: criteria provided, single submitter. Criteria: Ambry Variant Classification Scheme 2023. Collection method: clinical testing. Allele origin: germline.
Comment: The p.F1271L variant (also known as c.3813C>G), located in coding exon 26 of the SMARCA4 gene, results from a C to G substitution at nucleotide position 3813. The phenylalanine at codon 1271 is replaced by leucine, an amino acid with highly similar properties. This amino acid position is conserved. In addition, this alteration is predicted to be tolerated by in silico analysis. Based on the available evidence, the clinical significance of this variant remains unclear.

NM_003072.5(SMARCA4):c.3813C>G (p.Phe1271Leu)

Gene: SMARCA4 (SWI/SNF related BAF chromatin remodeling complex subunit ATPase 4; plus strand). Cytogenetic location: 19p13.2.
Variant type: single nucleotide variant.
Coding change: c.3813C>G on transcript NM_003072.5 (MANE Select); coding-DNA position 3813, C replaced by G.
Protein change: p.Phe1271Leu; replaces phenylalanine 1271 with leucine.
Molecular consequence: missense variant. On other transcripts: intron variant (6).
Genome position (GRCh38, 1-based): chr19:11,033,805, C>G. VCF-style: chr19-11033805-C-G. GRCh37 (hg19) VCF-style: chr19-11144481-C-G.
Other names: c.3813C>G, p.Phe1271Leu (NM_001128844.3, NM_001128849.3, NM_001387283.1); c.3774+288C>G (NM_001128847.4, NM_001411150.1, NM_001374457.1 and 3 more transcripts); short protein forms F1271L.
Identifiers: ClinVar variation 3446012 (VCV003446012.1).
Genomic context (GRCh38, chr19:11,033,805, plus strand): 5'-GAAGTCCTCTATTTATCCACAGAGCAGACACTGCAGCACGGGCAGCGGCAGTGCCAGCTT[C>G]GCCCACACTGCCCCTCCGCCAGCGGGCGTCAACCCCGACTTGGAGGAGCCACCTCTAAAG-3'
Protein context (NP_003063.2, residues 1261-1281): HCSTGSGSAS[Phe1271Leu]AHTAPPPAGV